The following is an entry in ClinVar:

NM_139057.4(ADAMTS17):c.2607G>A (p.Pro869=)

Gene: ADAMTS17 (ADAM metallopeptidase with thrombospondin type 1 motif 17; minus strand). Cytogenetic location: 15q26.3.
Variant type: single nucleotide variant.
Coding change: c.2607G>A on transcript NM_139057.4 (MANE Select); coding-DNA position 2607, G replaced by A.
Protein change: p.Pro869=; no amino-acid change (proline 869 retained).
Molecular consequence: synonymous variant.
Genome position (GRCh38, 1-based): chr15:99,997,574, C>T on the plus strand (G>A on the coding strand, the complement: ADAMTS17 is on the minus strand). VCF-style: chr15-99997574-C-T. GRCh37 (hg19) VCF-style: chr15-100537779-C-T.
Identifiers: ClinVar variation 774947 (VCV000774947.14), dbSNP rs151305163, ClinGen allele CA7757638.
Genomic context (GRCh38, chr15:99,997,574, plus strand): 5'-CACGCAGGTCACCTCCCGGTGCTGGAAGCCTTTCTCACAGGTCGCCGAGCAGGGGCTCCA[C>T]GGGCCTGCCACCCACCTGCCAGACGGGAGGAAAGAGAGAGAGAACGACTGGGTGAGAGGC-3'
Protein context (NP_620688.2, residues 859-879): HPCQSRWVAG[Pro869=]WSPCSATCEK

ClinVar aggregate classification (germline): Benign/Likely benign. Review status: criteria provided, multiple submitters, no conflicts (2 of 4 stars). 3 submissions from 3 submitters: Benign (1); Likely benign (1). 1 of the submissions does not count toward it. Last evaluated 2026-01-21.

Conditions:
ADAMTS17-related disorder. Also called: ADAMTS17-related condition.

Allele frequency attached by ClinVar (database versions not stated): 1000 Genomes Project 30x 0.00031; 1000 Genomes Project 0.00040; gnomAD 0.00073 and 0.00079; TOPMed 0.00090; ESP Exome Variant Server 0.00123.
gnomAD v4.1: 267 of 1,612,422 alleles (0.017%); highest among the groups gnomAD compares: African/African-American, 0.31%; 1 homozygote.

Submissions (3):

Labcorp Genetics (formerly Invitae), Labcorp
Classification: Benign. Last evaluated: 2026-01-21. Review status: criteria provided, single submitter. Criteria: Invitae Variant Classification Sherloc (09022015). Collection method: clinical testing. Allele origin: germline.

Blueprint Genetics
Classification: Likely benign. Last evaluated: 2024-07-19. Review status: criteria provided, single submitter. Criteria: ACMG Guidelines, 2015. Collection method: clinical testing. Allele origin: germline.

PreventionGenetics, part of Exact Sciences
Classification: Likely benign for ADAMTS17-related condition. Last evaluated: 2019-04-09. Review status: no assertion criteria provided. Collection method: clinical testing. Allele origin: germline. Not counted in ClinVar's aggregate classification.
Comment: This variant is classified as likely benign based on ACMG/AMP sequence variant interpretation guidelines (Richards et al. 2015 PMID: 25741868, with internal and published modifications).